The following is an entry in ClinVar:

NM_001680.5(FXYD2):c.*215G>A

Genes: FXYD6-FXYD2 (FXYD6-FXYD2 readthrough; minus strand), FXYD2 (FXYD domain containing ion transport regulator 2; minus strand). Cytogenetic location: 11q23.3.
Variant type: single nucleotide variant.
Coding change: c.*215G>A on transcript NM_001680.5 (MANE Select); 215 bases downstream of the stop codon, G replaced by A.
Molecular consequence: 3 prime UTR variant.
Genome position (GRCh38, 1-based): chr11:117,820,164, C>T on the plus strand (G>A on the coding strand, the complement: FXYD2 is on the minus strand). VCF-style: chr11-117820164-C-T. GRCh37 (hg19) VCF-style: chr11-117690879-C-T.
Other names: c.*215G>A (NM_001204268.3, NM_021603.4); c.*249G>A (NM_001243598.4).
Identifiers: ClinVar variation 302513 (VCV000302513.5), dbSNP rs41304349, ClinGen allele CA10629872.

ClinVar aggregate classification (germline): Benign (1 of 4 stars; one submission).

Conditions:
Renal hypomagnesemia 2 (HOMG2). Also called: MAGNESIUM LOSS, ISOLATED RENAL. Identifiers: Orphanet 34528, MedGen C1835171, MONDO:0007937, OMIM 154020.

Allele frequency attached by ClinVar (database versions not stated): gnomAD 0.00511 and 0.00461; 1000 Genomes Project 30x 0.00547; 1000 Genomes Project 0.00559; gnomAD exomes 0.00701; TOPMed 0.00451.
gnomAD v4.1: 812 of 157,278 alleles (0.52%); highest among the groups gnomAD compares: East Asian, 1.5%; 4 homozygotes.

Submission:

Illumina Laboratory Services, Illumina
Classification: Benign for Renal hypomagnesemia 2. Last evaluated: 2018-01-12. Review status: criteria provided, single submitter. Criteria: ICSL Variant Classification Criteria 13 December 2019. Collection method: clinical testing. Allele origin: germline.
Comment: This variant was observed in the ICSL laboratory as part of a predisposition screen in an ostensibly healthy population. It had not been previously curated by ICSL or reported in the Human Gene Mutation Database (HGMD: prior to June 1st, 2018), and was therefore a candidate for classification through an automated scoring system. Utilizing variant allele frequency, disease prevalence and penetrance estimates, and inheritance mode, an automated score was calculated to assess if this variant is too frequent to cause the disease. Based on the score and internal cut-off values, a variant classified as benign is not then subjected to further curation. The score for this variant resulted in a classification of benign for this disease.